The following is an entry in ClinVar:

NM_001384140.1(PCDH15):c.942A>G (p.Gln314=)

Gene: PCDH15 (protocadherin related 15; minus strand). Cytogenetic location: 10q21.1.
Variant type: single nucleotide variant.
Coding change: c.942A>G on transcript NM_001384140.1 (MANE Select); coding-DNA position 942, A replaced by G.
Protein change: p.Gln314=; no amino-acid change (glutamine 314 retained).
Molecular consequence: synonymous variant.
Genome position (GRCh38, 1-based): chr10:54,236,866, T>C on the plus strand (A>G on the coding strand, the complement: PCDH15 is on the minus strand). VCF-style: chr10-54236866-T-C. GRCh37 (hg19) VCF-style: chr10-55996626-T-C.
Other names: c.942A>G, p.Gln314= (NM_033056.4, NM_001354429.2, NM_001354430.2 and 7 more transcripts); c.876A>G, p.Gln292= (NM_001142768.2, NM_001142773.2, NM_001354404.2); c.957A>G, p.Gln319= (NM_001142769.4, NM_001142771.2, NM_001142763.2); c.831A>G, p.Gln277= (NM_001142767.2).
Identifiers: ClinVar variation 178522 (VCV000178522.21), dbSNP rs149481989, ClinGen allele CA182486.

ClinVar aggregate classification (germline): Conflicting classifications of pathogenicity. Review status: criteria provided, conflicting classifications (1 of 4 stars). 5 submissions from 5 submitters: Uncertain significance (1); Benign (1); Likely benign (3). Last evaluated 2025-12-14.

Conditions:
PCDH15-related disorder. Also called: PCDH15-related condition; PCDH15-related disorders.
Usher syndrome type 1 (USH1). Also called: RETINITIS PIGMENTOSA AND CONGENITAL DEAFNESS. Identifiers: Orphanet 231169, Orphanet 886, MedGen C1568247, MONDO:0010168, OMIM 276900.

Allele frequency attached by ClinVar (database versions not stated): TOPMed 0.00006; ESP Exome Variant Server 0.00008; gnomAD exomes 0.00017 and 0.00038; ExAC 0.00030; 1000 Genomes Project 30x 0.00031; 1000 Genomes Project 0.00040; gnomAD 0.00040 and 0.00043.
gnomAD v4.1: 308 of 1,613,692 alleles (0.019%); highest among the groups gnomAD compares: Non-Finnish European, 0.0078%; 2 homozygotes.

Submissions (5):

Labcorp Genetics (formerly Invitae), Labcorp
Classification: Benign. Last evaluated: 2025-12-14. Review status: criteria provided, single submitter. Criteria: Invitae Variant Classification Sherloc (09022015). Collection method: clinical testing. Allele origin: germline.

PreventionGenetics, part of Exact Sciences
Classification: Likely benign for PCDH15-related condition. Last evaluated: 2024-11-17. Review status: criteria provided, single submitter. Criteria: ACMG Guidelines, 2015. Collection method: clinical testing. Allele origin: germline.
Comment: This variant is classified as likely benign based on ACMG/AMP sequence variant interpretation guidelines (Richards et al. 2015 PMID: 25741868, with internal and published modifications).

Blueprint Genetics
Classification: Likely benign. Last evaluated: 2024-11-13. Review status: criteria provided, single submitter. Criteria: ACMG Guidelines, 2015. Collection method: clinical testing. Allele origin: germline.

Illumina Laboratory Services, Illumina
Classification: Uncertain significance for Usher syndrome type 1. Last evaluated: 2018-01-12. Review status: criteria provided, single submitter. Criteria: ICSL Variant Classification Criteria 13 December 2019. Collection method: clinical testing. Allele origin: germline.

Laboratory for Molecular Medicine, Mass General Brigham Personalized Medicine
Classification: Likely benign. Last evaluated: 2012-04-30. Review status: criteria provided, single submitter. Criteria: LMM Criteria. Collection method: clinical testing. Allele origin: germline. Observed: 1 variant allele.
Comment: Gln314Gln in Exon 09 of PCDH15: This variant is not expected to have clinical si gnificance because it does not alter an amino acid residue, is not located withi n the splice consensus sequence, and has been identified in 1/7020 European Amer ican chromosomes from a broad population by the NHLBI Exome Sequencing Project (dbSNP rs149481989).